The following is an entry in ClinVar:

NM_000489.6(ATRX):c.1043T>C (p.Val348Ala)

Gene: ATRX (ATRX chromatin remodeler; minus strand). Cytogenetic location: Xq21.1.
Variant type: single nucleotide variant.
Coding change: c.1043T>C on transcript NM_000489.6 (MANE Select); coding-DNA position 1043, T replaced by C.
Protein change: p.Val348Ala; replaces valine 348 with alanine.
Molecular consequence: missense variant.
Genome position (GRCh38, 1-based): chrX:77,684,213, A>G on the plus strand (T>C on the coding strand, the complement: ATRX is on the minus strand). VCF-style: chrX-77684213-A-G. GRCh37 (hg19) VCF-style: chrX-76939705-A-G.
Other names: c.1043T>C (NM_000489.3); c.929T>C, p.Val310Ala (NM_138270.5); short protein forms V310A, V348A.
Identifiers: ClinVar variation 1401422 (VCV001401422.7), dbSNP rs975407914, ClinGen allele CA331569063.

ClinVar aggregate classification (germline): Uncertain significance. Review status: criteria provided, multiple submitters, no conflicts (2 of 4 stars). 2 submissions from 2 submitters: Uncertain significance (2). Last evaluated 2026-02-04.

Conditions:
Alpha thalassemia-X-linked intellectual disability syndrome (ATRX). Also called: ATR-X syndrome; Alpha thalassemia mental retardation syndrome, nondeletion type, X-linked; XLMR hypotonic face syndrome; X-linked alpha-thalassemia-mental retardation syndrome; ALPHA-THALASSEMIA/IMPAIRED INTELLECTUAL DEVELOPMENT SYNDROME, X-LINKED; ALPHA-THALASSEMIA/MENTAL RETARDATION SYNDROME, X-LINKED. Identifiers: Orphanet 847, MedGen C1845055, MONDO:0010519, OMIM 301040.

Allele frequency attached by ClinVar (database versions not stated): gnomAD exomes 0.00001.
gnomAD v4.1: 5 of 1,211,321 alleles (0.00041%); highest among the groups gnomAD compares: Non-Finnish European, 0.00056%; no homozygotes.

Submissions (2):

GeneDx
Classification: Uncertain significance. Last evaluated: 2026-02-04. Review status: criteria provided, single submitter. Criteria: GeneDx Variant Classification Process June 2021. Collection method: clinical testing. Allele origin: germline.
Comment: Not observed at significant frequency in large population cohorts (gnomAD); In silico analysis suggests that this missense variant does not alter protein structure/function; Has not been previously published as pathogenic or benign to our knowledge

Labcorp Genetics (formerly Invitae), Labcorp
Classification: Uncertain significance for Alpha thalassemia-X-linked intellectual disability syndrome. Last evaluated: 2023-10-28. Review status: criteria provided, single submitter. Criteria: Invitae Variant Classification Sherloc (09022015). Collection method: clinical testing. Allele origin: germline.
Comment: This sequence change replaces valine, which is neutral and non-polar, with alanine, which is neutral and non-polar, at codon 348 of the ATRX protein (p.Val348Ala). This variant is not present in population databases (gnomAD no frequency). This variant has not been reported in the literature in individuals affected with ATRX-related conditions. ClinVar contains an entry for this variant (Variation ID: 1401422). Advanced modeling of protein sequence and biophysical properties (such as structural, functional, and spatial information, amino acid conservation, physicochemical variation, residue mobility, and thermodynamic stability) has been performed at Invitae for this missense variant, however the output from this modeling did not meet the statistical confidence thresholds required to predict the impact of this variant on ATRX protein function. In summary, the available evidence is currently insufficient to determine the role of this variant in disease. Therefore, it has been classified as a Variant of Uncertain Significance.